The following is an entry in ClinVar:

NM_001999.4(FBN2):c.3215A>G (p.Lys1072Arg)

Genes: FBN2 (fibrillin 2; minus strand), LOC126807501 (BRD4-independent group 4 enhancer GRCh37_chr5:127680731-127681930; plus strand). Cytogenetic location: 5q23.3.
Variant type: single nucleotide variant.
Coding change: c.3215A>G on transcript NM_001999.4 (MANE Select); coding-DNA position 3215, A replaced by G.
Protein change: p.Lys1072Arg; replaces lysine 1072 with arginine.
Molecular consequence: missense variant.
Genome position (GRCh38, 1-based): chr5:128,345,359, T>C on the plus strand (A>G on the coding strand, the complement: FBN2 is on the minus strand). VCF-style: chr5-128345359-T-C. GRCh37 (hg19) VCF-style: chr5-127681051-T-C.
Other names: short protein forms K1072R.
Identifiers: ClinVar variation 3016793 (VCV003016793.3), dbSNP rs1751146119, ClinGen allele CA360762563.
Genomic context (GRCh38, chr5:128,345,359, plus strand): 5'-AATGTGGAAGGCTTCCTGTTGGTGAAGAAGGACCAAGGCGCTGGCCGCAGGCAGTTACCT[T>C]TGTAAAATGGCCGCCCAGTAAGAACATCCCCTCGGTTAGCAAAGCCAGCCCCGCGGGGGC-3'
Protein context (NP_001990.2, residues 1062-1082): GDVLTGRPFY[Lys1072Arg]DINECKAFPG

ClinVar aggregate classification (germline): Uncertain significance (1 of 4 stars; one submission).

Conditions:
Congenital contractural arachnodactyly (CCA). Also called: BEALS SYNDROME; Beals-Hecht syndrome; Arthrogryposis, distal, type 9. Identifiers: Orphanet 115, MedGen C0220668, MONDO:0007363, OMIM 121050.

Allele frequency attached by ClinVar (database versions not stated): gnomAD exomes below 0.00001.
gnomAD v4.1: 6 of 1,613,858 alleles (0.00037%); highest among the groups gnomAD compares: Non-Finnish European, 0.00051%; no homozygotes.

Submission:

Labcorp Genetics (formerly Invitae), Labcorp
Classification: Uncertain significance for Congenital contractural arachnodactyly. Last evaluated: 2025-01-12. Review status: criteria provided, single submitter. Criteria: Invitae Variant Classification Sherloc (09022015). Collection method: clinical testing. Allele origin: germline.
Comment: This sequence change replaces lysine, which is basic and polar, with arginine, which is basic and polar, at codon 1072 of the FBN2 protein (p.Lys1072Arg). This variant is not present in population databases (gnomAD no frequency). This variant has not been reported in the literature in individuals affected with FBN2-related conditions. ClinVar contains an entry for this variant (Variation ID: 3016793). An algorithm developed to predict the effect of missense changes on protein structure and function (PolyPhen-2) suggests that this variant is likely to be tolerated. In summary, the available evidence is currently insufficient to determine the role of this variant in disease. Therefore, it has been classified as a Variant of Uncertain Significance.